The following is an entry in ClinVar:

NM_001323289.2(CDKL5):c.2530del (p.His844fs)

Gene: CDKL5 (cyclin dependent kinase like 5; plus strand). Cytogenetic location: Xp22.13.
Variant type: Deletion.
Coding change: c.2530del on transcript NM_001323289.2 (MANE Select); coding-DNA position 2530, one base deleted (C; older notation c.2530delC).
Protein change: p.His844fs; shifts the reading frame from histidine 844.
Molecular consequence: frameshift variant.
Genome position (GRCh38, 1-based): chrX:18,628,404, C deleted. VCF-style (leftmost placement, unchanged base first): chrX-18628403-AC-A. GRCh37 (hg19) VCF-style: chrX-18646523-AC-A.
Other names: c.2530del, p.His844fs (NM_001037343.2, NM_003159.3); short protein forms H844fs.
Identifiers: ClinVar variation 3384225 (VCV003384225.1).

ClinVar aggregate classification (germline): Likely pathogenic. Review status: criteria provided, single submitter (1 of 4 stars). 2 submissions from 2 submitters: Likely pathogenic (1). 1 of the submissions does not count toward it. Last evaluated 2024-12-13.

Conditions:
Developmental and epileptic encephalopathy, 2 (DEE2). Also called: INFANTILE SPASM SYNDROME, X-LINKED 2; CDKL5 deficiency disorder. Identifiers: Orphanet 1934, Orphanet 3451, Orphanet 505652, MedGen C4750718, MONDO:0010396, OMIM 300672.
CDKL5 disorder. Identifiers: MedGen CN296942, MONDO:0100039.

Submissions (2):

Centre for Population Genomics, CPG
Classification: Likely pathogenic for CDKL5 disorder. Last evaluated: 2024-12-13. Review status: criteria provided, single submitter. Criteria: McKnight et al. (Hum Mutat. 2022). Collection method: curation. Allele origin: germline. Inheritance: X-linked inheritance.
Comment: This variant has been collected from RettBASE and curated to current modified ACMG/AMP criteria. Based on the classification scheme defined by the ClinGen Rett/Angelman-like Expert Panel for Rett/AS-like Disorders Specifications to the ACMG/AMP Variant Interpretation Guidelines VCEP 3.0, this variant is classified as likely pathogenic. At least the following criteria are met: Predicted to result in loss of function, and LOF is a known mechanism of disease (PVS1). This variant is absent from gnomAD (PM2_Supporting).

Clinical Genetics, Synlab MVZ Humangenetik Freiburg
Classification: Likely pathogenic for Developmental and epileptic encephalopathy, 2. Last evaluated: 2024-01-29. Review status: no assertion criteria provided. Collection method: clinical testing. Allele origin: germline. Affected: yes. Not counted in ClinVar's aggregate classification.
Comment: The variant has not previously been described as pathogenic (HGMD Professional 2023.4) and is not listed in control data